The following is an entry in ClinVar:

ClinVar aggregate classification (germline): Uncertain significance (1 of 4 stars; one submission).

Conditions:
Osteogenesis imperfecta type 8 (OI8). Identifiers: MedGen C1970458, MONDO:0012581, OMIM 610915.

Submission:

Labcorp Genetics (formerly Invitae), Labcorp
Classification: Uncertain significance for Osteogenesis imperfecta type 8. Last evaluated: 2022-08-16. Review status: criteria provided, single submitter. Criteria: Invitae Variant Classification Sherloc (09022015). Collection method: clinical testing. Allele origin: germline.
Comment: In summary, the available evidence is currently insufficient to determine the role of this variant in disease. Therefore, it has been classified as a Variant of Uncertain Significance. Variants that disrupt the consensus splice site are a relatively common cause of aberrant splicing (PMID: 17576681, 9536098). Algorithms developed to predict the effect of sequence changes on RNA splicing suggest that this variant is not likely to affect RNA splicing. This variant has not been reported in the literature in individuals affected with P3H1-related conditions. This variant is not present in population databases (gnomAD no frequency). This sequence change falls in intron 5 of the P3H1 gene. It does not directly change the encoded amino acid sequence of the P3H1 protein. It affects a nucleotide within the consensus splice site.

Literature cited by the submitters: PubMed 17576681; PubMed 9536098.

NM_022356.4(P3H1):c.1080+3G>A

Gene: P3H1 (prolyl 3-hydroxylase 1; minus strand). Cytogenetic location: 1p34.2.
Variant type: single nucleotide variant.
Coding change: c.1080+3G>A on transcript NM_022356.4 (MANE Select); 3 bases into the intron after coding-DNA position 1080, G replaced by A.
Molecular consequence: intron variant.
Genome position (GRCh38, 1-based): chr1:42,757,780, C>T on the plus strand (G>A on the coding strand, the complement: P3H1 is on the minus strand). VCF-style: chr1-42757780-C-T. GRCh37 (hg19) VCF-style: chr1-43223451-C-T.
Other names: c.1080+3G>A (NM_001146289.2, NM_001243246.2).
Identifiers: ClinVar variation 2051363 (VCV002051363.2), dbSNP rs1351333925, ClinGen allele CA2580062814.